The following is an entry in ClinVar:

ClinVar aggregate classification (germline): Uncertain significance (1 of 4 stars; one submission).

Allele frequency attached by ClinVar (database versions not stated): gnomAD exomes below 0.00001; TOPMed below 0.00001.
gnomAD v4.1: 3 of 1,613,984 alleles (0.00019%); highest among the groups gnomAD compares: African/African-American, 0.0013%; no homozygotes.

Submission:

Labcorp Genetics (formerly Invitae), Labcorp
Classification: Uncertain significance. Last evaluated: 2021-09-24. Review status: criteria provided, single submitter. Criteria: Invitae Variant Classification Sherloc (09022015). Collection method: clinical testing. Allele origin: germline.
Comment: This sequence change replaces tyrosine with histidine at codon 2140 of the CDH23 protein (p.Tyr2140His). The tyrosine residue is highly conserved and there is a moderate physicochemical difference between tyrosine and histidine. This variant is not present in population databases (ExAC no frequency). This variant has not been reported in the literature in individuals with CDH23-related conditions. Algorithms developed to predict the effect of missense changes on protein structure and function are either unavailable or do not agree on the potential impact of this missense change (SIFT: "Deleterious"; PolyPhen-2: "Not Available"; Align-GVGD: "Class C65"). In summary, the available evidence is currently insufficient to determine the role of this variant in disease. Therefore, it has been classified as a Variant of Uncertain Significance.

NM_022124.6(CDH23):c.6418T>C (p.Tyr2140His)

Gene: CDH23 (cadherin related 23; plus strand). Cytogenetic location: 10q22.1.
Variant type: single nucleotide variant.
Coding change: c.6418T>C on transcript NM_022124.6 (MANE Select); coding-DNA position 6418, T replaced by C.
Protein change: p.Tyr2140His; replaces tyrosine 2140 with histidine.
Molecular consequence: missense variant.
Genome position (GRCh38, 1-based): chr10:71,793,346, T>C. VCF-style: chr10-71793346-T-C. GRCh37 (hg19) VCF-style: chr10-73553103-T-C.
Other names: short protein forms Y2140H.
Identifiers: ClinVar variation 1357423 (VCV001357423.5), dbSNP rs1158798755, ClinGen allele CA377154937.